The following is an entry in ClinVar:

NM_001080517.3(SETD5):c.1261A>G (p.Thr421Ala)

Gene: SETD5 (SET domain containing 5; plus strand). Cytogenetic location: 3p25.3.
Variant type: single nucleotide variant.
Coding change: c.1261A>G on transcript NM_001080517.3 (MANE Select); coding-DNA position 1261, A replaced by G.
Protein change: p.Thr421Ala; replaces threonine 421 with alanine.
Molecular consequence: missense variant.
Genome position (GRCh38, 1-based): chr3:9,445,121, A>G. VCF-style: chr3-9445121-A-G. GRCh37 (hg19) VCF-style: chr3-9486805-A-G.
Other names: c.967A>G, p.Thr323Ala (NM_001292043.2, NM_001349451.2); short protein forms T323A, T421A.
Identifiers: ClinVar variation 2874270 (VCV002874270.3), dbSNP rs775561026, ClinGen allele CA2239120.

ClinVar aggregate classification (germline): Uncertain significance (1 of 4 stars; one submission).

Allele frequency attached by ClinVar (database versions not stated): gnomAD exomes below 0.00001; ExAC 0.00002.
gnomAD v4.1: 4 of 1,614,016 alleles (0.00025%); highest among the groups gnomAD compares: African/African-American, 0.0013%; no homozygotes.

Submission:

Labcorp Genetics (formerly Invitae), Labcorp
Classification: Uncertain significance. Last evaluated: 2023-09-05. Review status: criteria provided, single submitter. Criteria: Invitae Variant Classification Sherloc (09022015). Collection method: clinical testing. Allele origin: germline.
Comment: In summary, the available evidence is currently insufficient to determine the role of this variant in disease. Therefore, it has been classified as a Variant of Uncertain Significance. Advanced modeling of protein sequence and biophysical properties (such as structural, functional, and spatial information, amino acid conservation, physicochemical variation, residue mobility, and thermodynamic stability) performed at Invitae indicates that this missense variant is not expected to disrupt SETD5 protein function. This variant has not been reported in the literature in individuals affected with SETD5-related conditions. This variant is present in population databases (rs775561026, gnomAD 0.002%). This sequence change replaces threonine, which is neutral and polar, with alanine, which is neutral and non-polar, at codon 421 of the SETD5 protein (p.Thr421Ala).